The following is an entry in ClinVar:

ClinVar aggregate classification (germline): Uncertain significance. Review status: criteria provided, multiple submitters, no conflicts (2 of 4 stars). 2 submissions from 2 submitters: Uncertain significance (2). Last evaluated 2024-11-11.

Conditions:
Infantile nephronophthisis (NPHP2). Also called: Nephronophthisis 2; Nephronophthisis 2, infantile. Identifiers: Orphanet 655, Orphanet 93591, MedGen C1865872, MONDO:0011190, OMIM 602088.
Nephronophthisis. Also called: Juvenile Nephronophthisis. Identifiers: Orphanet 655, MedGen C0687120, MONDO:0019005, HP:0000090.

Allele frequency attached by ClinVar (database versions not stated): gnomAD 0.00001; TOPMed 0.00001; gnomAD exomes 0.00002.
gnomAD v4.1: 23 of 1,614,072 alleles (0.0014%); highest among the groups gnomAD compares: Non-Finnish European, 0.0019%; no homozygotes.

Submissions (2):

Labcorp Genetics (formerly Invitae), Labcorp
Classification: Uncertain significance for Nephronophthisis. Last evaluated: 2024-11-11. Review status: criteria provided, single submitter. Criteria: Invitae Variant Classification Sherloc (09022015). Collection method: clinical testing. Allele origin: germline.
Comment: This sequence change replaces tryptophan, which is neutral and slightly polar, with glycine, which is neutral and non-polar, at codon 216 of the INVS protein (p.Trp216Gly). This variant is not present in population databases (gnomAD no frequency). This variant has not been reported in the literature in individuals affected with INVS-related conditions. ClinVar contains an entry for this variant (Variation ID: 1024501). An algorithm developed to predict the effect of missense changes on protein structure and function (PolyPhen-2) suggests that this variant is likely to be disruptive. In summary, the available evidence is currently insufficient to determine the role of this variant in disease. Therefore, it has been classified as a Variant of Uncertain Significance.

Fulgent Genetics
Classification: Uncertain significance for Infantile nephronophthisis. Last evaluated: 2024-04-02. Review status: criteria provided, single submitter. Criteria: ACMG Guidelines, 2015. Collection method: clinical testing. Allele origin: germline.

NM_014425.5(INVS):c.646T>G (p.Trp216Gly)

Gene: INVS (inversin; plus strand). Cytogenetic location: 9q31.1.
Variant type: single nucleotide variant.
Coding change: c.646T>G on transcript NM_014425.5 (MANE Select); coding-DNA position 646, T replaced by G.
Protein change: p.Trp216Gly; replaces tryptophan 216 with glycine.
Molecular consequence: missense variant. On other transcripts: 5 prime UTR variant (1), non-coding transcript variant (1).
Genome position (GRCh38, 1-based): chr9:100,240,090, T>G. VCF-style: chr9-100240090-T-G. GRCh37 (hg19) VCF-style: chr9-103002372-T-G.
Other names: c.358T>G, p.Trp120Gly (NM_001318381.2); c.-344T>G (NM_001318382.2); short protein forms W120G, W216G.
Identifiers: ClinVar variation 1024501 (VCV001024501.9), dbSNP rs1446856893, ClinGen allele CA374361527.
Genomic context (GRCh38, chr9:100,240,090, plus strand): 5'-TGTCTGAAGTCTCTGGTTCCTTCAAATCAGGATGCTGCTCCAACAGAGTCTTTACTGAAC[T>G]GGCAAGACTACGAGGGTCGAACTCCTCTTCACTTTGCAGTTGCTGATGGGAATGTGACCG-3'
Protein context (NP_055240.2, residues 206-226): DAAPTESLLN[Trp216Gly]QDYEGRTPLH